The following is an entry in ClinVar:

NM_032638.5(GATA2):c.1117_1131del (p.Cys373_Tyr377del)

Gene: GATA2 (GATA binding protein 2; minus strand). Cytogenetic location: 3q21.3.
Variant type: Deletion.
Coding change: c.1117_1131del on transcript NM_032638.5 (MANE Select); coding-DNA positions 1117 to 1131, 15 bases deleted (TGTGGCCTCTACTAC).
Protein change: p.Cys373_Tyr377del.
Molecular consequence: inframe deletion.
Genome position (GRCh38, 1-based): chr3:128,481,831-128,481,845, GTAGTAGAGGCCACA deleted on the plus strand (TGTGGCCTCTACTAC on the coding strand, the reverse complement: GATA2 is on the minus strand); deleting any 15 consecutive bases within chr3:128,481,831-128,481,846 gives the same sequence; the c. name uses the placement nearest the transcript's 3' end. VCF-style (leftmost placement, unchanged base first): chr3-128481830-TGTAGTAGAGGCCACA-T. GRCh37 (hg19) VCF-style: chr3-128200673-TGTAGTAGAGGCCACA-T.
Other names: c.1117_1131del, p.Cys373_Tyr377del (NM_001145661.2); c.1075_1089del, p.Cys359_Tyr363del (NM_001145662.1).
Identifiers: ClinVar variation 1184164 (VCV001184164.1), dbSNP rs2107668588, ClinGen allele CA2499216429.

ClinVar aggregate classification (germline): Likely pathogenic (1 of 4 stars; one submission).

Conditions:
Deafness-lymphedema-leukemia syndrome. Also called: Emberger syndrome; Lymphedema, primary, with myelodysplasia. Identifiers: Orphanet 3226, MedGen C3279664, MONDO:0013540, OMIM 614038.
GATA2 deficiency with susceptibility to MDS/AML. Identifiers: MedGen CN300066, MONDO:0042982.

Submission:

Molecular Pathology Research Laboratory, SA Pathology
Classification: Likely pathogenic for GATA2 deficiency with susceptibility to MDS/AML; Deafness-lymphedema-leukemia syndrome. Last evaluated: 2021-07-06. Review status: criteria provided, single submitter. Criteria: ACMG Guidelines, 2015. Collection method: curation. Allele origin: germline. Inheritance: Autosomal dominant inheritance. Affected: yes. Observed: 3 variant alleles. Clinical features observed: Myelodysplasia, Acute Myeloid Leukemia, Immunodeficiency.
Comment: PS4_Moderate, PM2, PM4_Strong*

Literature cited by the submitters: PubMed 24227816; PubMed 25359990; PubMed 24077845.